The following is an entry in ClinVar:

ClinVar aggregate classification (germline): Uncertain significance (1 of 4 stars; one submission).

Conditions:
Hereditary cancer-predisposing syndrome. Also called: Tumor predisposition; Hereditary Cancer Syndrome; Hereditary neoplastic syndrome; Neoplastic Syndromes, Hereditary. Identifiers: Orphanet 140162, MedGen C0027672, MeSH D009386, MONDO:0015356.

Submission:

Ambry Genetics
Classification: Uncertain significance for Hereditary cancer-predisposing syndrome. Last evaluated: 2024-02-09. Review status: criteria provided, single submitter. Criteria: Ambry Variant Classification Scheme 2023. Collection method: clinical testing. Allele origin: germline.
Comment: The p.F1977Y variant (also known as c.5930T>A), located in coding exon 39 of the ATM gene, results from a T to A substitution at nucleotide position 5930. The phenylalanine at codon 1977 is replaced by tyrosine, an amino acid with highly similar properties. This amino acid position is conserved. In addition, this alteration is predicted to be tolerated by in silico analysis. Based on the available evidence, the clinical significance of this alteration remains unclear.

NM_000051.4(ATM):c.5930T>A (p.Phe1977Tyr)

Genes: ATM (ATM serine/threonine kinase; plus strand), C11orf65 (chromosome 11 open reading frame 65; minus strand). Cytogenetic location: 11q22.3.
Variant type: single nucleotide variant.
Coding change: c.5930T>A on transcript NM_000051.4 (MANE Select); coding-DNA position 5930, T replaced by A.
Protein change: p.Phe1977Tyr; replaces phenylalanine 1977 with tyrosine.
Molecular consequence: missense variant. On other transcripts: intron variant (2).
Genome position (GRCh38, 1-based): chr11:108,312,422, T>A. VCF-style: chr11-108312422-T-A. GRCh37 (hg19) VCF-style: chr11-108183149-T-A.
Other names: c.5930T>A, p.Phe1977Tyr (NM_001351834.2); c.641-3351A>T (NM_001330368.2); c.*39-3351A>T (NM_001351110.2); short protein forms F1977Y.
Identifiers: ClinVar variation 3222042 (VCV003222042.1), dbSNP rs780867575, ClinGen allele CA382548650.